The following is an entry in ClinVar:

ClinVar aggregate classification (germline): Likely pathogenic (1 of 4 stars; one submission).

Submission:

Labcorp Genetics (formerly Invitae), Labcorp
Classification: Likely pathogenic. Last evaluated: 2022-07-18. Review status: criteria provided, single submitter. Criteria: Invitae Variant Classification Sherloc (09022015). Collection method: clinical testing. Allele origin: germline.
Comment: This variant results in a copy number gain of the genomic region encompassing exon(s) 3 of the HERC2 gene. While the exact position of this variant cannot be determined from the data, sub-genic copy number gains are generally in tandem (PMID: 25640679). This variant is predicted to be out-of-frame, and may result in an absent or disrupted protein product. Loss-of-function variants in HERC2 are known to be pathogenic (PMID: 31623504, 32571899). This variant has not been reported in the literature in individuals affected with HERC2-related conditions. In summary, the currently available evidence indicates that the variant is pathogenic, but additional data are needed to prove that conclusively. Therefore, this variant has been classified as Likely Pathogenic.

Literature cited by the submitters: PubMed 25640679; PubMed 31623504; PubMed 32571899.

NC_000015.9:g.(?_28544548)_(28544662_?)dup

Gene: HERC2 (HECT and RLD domain containing E3 ubiquitin protein ligase 2; minus strand). Cytogenetic location: 15q13.1.
Variant type: Duplication.
Identifiers: ClinVar variation 2425199 (VCV002425199.3).